The following is an entry in ClinVar:

ClinVar aggregate classification (germline): Benign/Likely benign. Review status: criteria provided, multiple submitters, no conflicts (2 of 4 stars). 14 submissions from 14 submitters: Benign (6); Likely benign (5). 3 of the submissions do not count toward it. Last evaluated 2026-09-01.

Conditions:
Collagen 6-related myopathy. Identifiers: MedGen CN117976, MONDO:0100225.
Bethlem myopathy 1A. Also called: MYOPATHY, BENIGN CONGENITAL, WITH CONTRACTURES; Bethlem myopathy 1; Bethlem Muscular Dystrophy. Identifiers: Orphanet 610, MedGen CN029274, MONDO:0024530, OMIM 158810.

Allele frequency attached by ClinVar (database versions not stated): 1000 Genomes Project 0.00300; gnomAD exomes 0.00444; gnomAD 0.00315; 1000 Genomes Project 30x 0.00328; TOPMed 0.00409; ExAC 0.00453; ESP Exome Variant Server 0.00477.
gnomAD v4.1: 9,345 of 1,608,916 alleles (0.58%); highest among the groups gnomAD compares: Non-Finnish European, 0.71%; 35 homozygotes.

Submissions (14):

CeGaT Center for Human Genetics Tuebingen
Classification: Likely benign. Last evaluated: 2026-09-01. Review status: criteria provided, single submitter. Criteria: CeGaT Center For Human Genetics Tuebingen Variant Classification Criteria Version 2. Collection method: clinical testing. Allele origin: germline. Affected: yes. Observed: 38 variant alleles.
Comment: COL6A2: BP4

Labcorp Genetics (formerly Invitae), Labcorp
Classification: Benign for Bethlem myopathy 1A. Last evaluated: 2026-02-01. Review status: criteria provided, single submitter. Criteria: Invitae Variant Classification Sherloc (09022015). Collection method: clinical testing. Allele origin: germline.

Mayo Clinic Laboratories, Mayo Clinic
Classification: Benign. Last evaluated: 2024-11-26. Review status: criteria provided, single submitter. Criteria: ACMG Guidelines, 2015. Collection method: clinical testing. Allele origin: germline. Observed: 12 variant alleles.
Comment: BS1, BS2, BP2

GeneDx
Classification: Benign. Last evaluated: 2020-05-21. Review status: criteria provided, single submitter. Criteria: GeneDx Variant Classification Process June 2021. Collection method: clinical testing. Allele origin: germline. Affected: yes.
Comment: This variant is associated with the following publications: (PMID: 20981092, 20729548, 19884007, 15689448, 16935502)

Mendelics
Classification: Benign for Bethlem myopathy 1A. Last evaluated: 2019-05-28. Review status: criteria provided, single submitter. Criteria: Mendelics Assertion Criteria 2017. Collection method: clinical testing. Allele origin: unknown.

Illumina Laboratory Services, Illumina
Classification: Benign for Collagen VI-related myopathy. Last evaluated: 2018-03-06. Review status: criteria provided, single submitter. Criteria: ICSL Variant Classification Criteria 13 December 2019. Collection method: clinical testing. Allele origin: germline.
Comment: This variant was observed in the ICSL laboratory as part of a predisposition screen in an ostensibly healthy population. It had not been previously curated by ICSL or reported in the Human Gene Mutation Database (HGMD: prior to June 1st, 2018), and was therefore a candidate for classification through an automated scoring system. Utilizing variant allele frequency, disease prevalence and penetrance estimates, and inheritance mode, an automated score was calculated to assess if this variant is too frequent to cause the disease. Based on the score and internal cut-off values, a variant classified as benign is not then subjected to further curation. The score for this variant resulted in a classification of benign for this disease.

Center for Pediatric Genomic Medicine, Children's Mercy Hospital and Clinics
Classification: Likely benign. Last evaluated: 2017-01-26. Review status: criteria provided, single submitter. Criteria: ACMG Guidelines, 2015. Collection method: clinical testing. Allele origin: germline.
ClinVar note: Converted during submission from Likely Benign to Likely benign.

Laboratory for Molecular Medicine, Mass General Brigham Personalized Medicine
Classification: Likely benign. Last evaluated: 2015-08-25. Review status: criteria provided, single submitter. Criteria: LMM Criteria. Collection method: clinical testing. Allele origin: germline. Observed: 2 variant alleles.
Comment: p.Arg784His in exon 26 of COL6A2: This variant is not expected to have clinical significance because it has been identified in 0.7% (445/65546) of European chro mosomes by the Exome Aggregation Consortium (ExAC, g; dbSNP rs75120695). Although this variant has been reported in 3 individuals w ith muscular dystrophy or myopathy (Lampe 2005, Foley 2009, Tooley 2010), in at least 2 of these cases a pathogenic COL6A2 variant was identified in cis (on the same copy of the gene) with the p.Arg784His variant.

Eurofins Ntd Llc (ga)
Classification: Benign. Last evaluated: 2013-09-18. Review status: criteria provided, single submitter. Criteria: EGL Classification Definitions 2015. Collection method: clinical testing. Allele origin: germline. Observed: 2 variant alleles, 2 heterozygotes.

Breakthrough Genomics
Classification: Likely benign. Review status: criteria provided, single submitter. Criteria: ACMG Guidelines, 2015. Collection method: not provided. Allele origin: germline. Inheritance: Autosomal recessive inheritance. Affected: yes.

PreventionGenetics, part of Exact Sciences
Classification: Likely benign. Review status: criteria provided, single submitter. Criteria: ACMG Guidelines, 2015. Collection method: clinical testing. Allele origin: germline.

Clinical Genetics DNA and cytogenetics Diagnostics Lab, Erasmus MC, Erasmus Medical Center
Classification: Likely benign. Review status: no assertion criteria provided. Collection method: clinical testing. Allele origin: germline. Affected: yes. Study: VKGL Data-share Consensus. Not counted in ClinVar's aggregate classification.

Clinical Genetics, Academic Medical Center
Classification: Benign. Review status: no assertion criteria provided. Collection method: clinical testing. Allele origin: germline. Affected: yes. Study: VKGL Data-share Consensus. Not counted in ClinVar's aggregate classification.

Laboratory of Diagnostic Genome Analysis, Leiden University Medical Center (LUMC)
Classification: Likely benign. Review status: no assertion criteria provided. Collection method: clinical testing. Allele origin: germline. Affected: yes. Study: VKGL Data-share Consensus. Not counted in ClinVar's aggregate classification.

Literature cited by the submitters: PubMed 15689448 (cited by Mayo Clinic Laboratories, Mayo Clinic and Laboratory for Molecular Medicine, Mass General Brigham Personalized Medicine); PubMed 19884007 (cited by 3 submitters); PubMed 20729548 (cited by Mayo Clinic Laboratories, Mayo Clinic and Laboratory for Molecular Medicine, Mass General Brigham Personalized Medicine).

NM_001849.4(COL6A2):c.2351G>A (p.Arg784His)

Gene: COL6A2 (collagen type VI alpha 2 chain; plus strand). Cytogenetic location: 21q22.3.
Variant type: single nucleotide variant.
Coding change: c.2351G>A on transcript NM_001849.4 (MANE Select); coding-DNA position 2351, G replaced by A.
Protein change: p.Arg784His; replaces arginine 784 with histidine.
Molecular consequence: missense variant.
Genome position (GRCh38, 1-based): chr21:46,126,166, G>A. VCF-style: chr21-46126166-G-A. GRCh37 (hg19) VCF-style: chr21-47546080-G-A.
Other names: p.R784H:CGC>CAC; c.2351G>A, p.Arg784His (NM_058174.3, NM_058175.3); short protein forms R784H.
Identifiers: ClinVar variation 93938 (VCV000093938.65), dbSNP rs75120695, ClinGen allele CA147474.